The following is an entry in ClinVar:

NM_005984.5(SLC25A1):c.95-109C>T

Gene: SLC25A1 (solute carrier family 25 member 1; minus strand). Cytogenetic location: 22q11.21.
Variant type: single nucleotide variant.
Coding change: c.95-109C>T on transcript NM_005984.5 (MANE Select); 109 bases into the intron before coding-DNA position 95, C replaced by T.
Molecular consequence: intron variant. On other transcripts: missense variant (1).
Genome position (GRCh38, 1-based): chr22:19,178,349, G>A on the plus strand (C>T on the coding strand, the complement: SLC25A1 is on the minus strand). VCF-style: chr22-19178349-G-A. GRCh37 (hg19) VCF-style: chr22-19165862-G-A.
Other names: c.7C>T, p.Pro3Ser (NM_001256534.2); c.-216+38C>T (NM_001287387.2); short protein forms P3S.
Identifiers: ClinVar variation 3034371 (VCV003034371.3), dbSNP rs554799583, ClinGen allele CA10097536.
Genomic context (GRCh38, chr22:19,178,349, plus strand): 5'-GCTCGGGCCCCTCCCCCGTCCCGGACTTCGGTCGGCGCGGCCGCCGCGCCAGTGCCGCGG[G>A]GAACATAGGCTGGGGCCCCACGCCCCCATGCCCTCACCCCGTTGTCCCGGCGAGGCGCAG-3'

ClinVar aggregate classification (germline): Likely benign. Review status: criteria provided, single submitter (1 of 4 stars). 2 submissions from 2 submitters: Likely benign (1). 1 of the submissions does not count toward it. Last evaluated 2024-07-22.

Conditions:
SLC25A1-related disorder. Also called: SLC25A1-related condition.

Allele frequency attached by ClinVar (database versions not stated): gnomAD exomes 0.00043; ExAC 0.00064; 1000 Genomes Project 30x 0.00437; 1000 Genomes Project 0.00479; gnomAD 0.00525; TOPMed 0.00605.

Submissions (2):

Blueprint Genetics
Classification: Likely benign. Last evaluated: 2024-07-22. Review status: criteria provided, single submitter. Criteria: ACMG Guidelines, 2015. Collection method: clinical testing. Allele origin: germline.

PreventionGenetics, part of Exact Sciences
Classification: Benign for SLC25A1-related condition. Last evaluated: 2019-11-26. Review status: no assertion criteria provided. Collection method: clinical testing. Allele origin: germline. Not counted in ClinVar's aggregate classification.
Comment: This variant is classified as benign based on ACMG/AMP sequence variant interpretation guidelines (Richards et al. 2015 PMID: 25741868, with internal and published modifications).